The following is an entry in ClinVar:

NM_018180.3(DHX32):c.1053dup (p.Val352fs)

Gene: DHX32 (DEAH-box helicase 32 (putative); minus strand). Cytogenetic location: 10q26.2.
Variant type: Duplication.
Coding change: c.1053dup on transcript NM_018180.3 (MANE Select); coding-DNA position 1053, one base duplicated (A; older notation c.1053dupA).
Protein change: p.Val352fs; shifts the reading frame from valine 352.
Molecular consequence: frameshift variant.
Genome position (GRCh38, 1-based): chr10:125,854,000, T duplicated on the plus strand (A on the coding strand, the reverse complement: DHX32 is on the minus strand). VCF-style (leftmost placement, unchanged base first): chr10-125853999-C-CT. GRCh37 (hg19) VCF-style: chr10-127542568-C-CT.
Other names: short protein forms V352fs.
Identifiers: ClinVar variation 1966042 (VCV001966042.5), dbSNP rs2494422492, ClinGen allele CA2580082452.
Genomic context (GRCh38, chr10:125,853,999, plus strand): 5'-TAGCCTACTCAATAATAATTACCTTTCTTCTTTCCACACCCACATCGATAACAAATCTGA[C>CT]TGAGTTGCTCCAGATCAAAAACTCTCCAGAGCTAGTAGTTAACACCACTCTTCTTTGATA-3'

ClinVar aggregate classification (germline): Uncertain significance (1 of 4 stars; one submission).

Allele frequency attached by ClinVar (database versions not stated): gnomAD exomes below 0.00001.

Submission:

Labcorp Genetics (formerly Invitae), Labcorp
Classification: Uncertain significance. Last evaluated: 2023-05-23. Review status: criteria provided, single submitter. Criteria: Invitae Variant Classification Sherloc (09022015). Collection method: clinical testing. Allele origin: germline.
Comment: In summary, the available evidence is currently insufficient to determine the role of this variant in disease. Therefore, it has been classified as a Variant of Uncertain Significance. ClinVar contains an entry for this variant (Variation ID: 1966042). This variant has not been reported in the literature in individuals affected with DHX32-related conditions. This variant is not present in population databases (gnomAD no frequency). This sequence change creates a premature translational stop signal (p.Val352Serfs*55) in the DHX32 gene. It is expected to result in an absent or disrupted protein product. However, the current clinical and genetic evidence is not sufficient to establish whether loss-of-function variants in DHX32 cause disease.